The following is an entry in ClinVar:

ClinVar aggregate classification (germline): Uncertain significance (1 of 4 stars; one submission).

Allele frequency attached by ClinVar (database versions not stated): gnomAD exomes below 0.00001.
gnomAD v4.1: 1 of 1,613,456 alleles (0.000062%); highest among the groups gnomAD compares: Non-Finnish European, 0.000085%; no homozygotes.

Submission:

Ambry Genetics
Classification: Uncertain significance. Last evaluated: 2023-06-05. Review status: criteria provided, single submitter. Criteria: Ambry Variant Classification Scheme 2023. Collection method: clinical testing. Allele origin: germline.
Comment: The p.V84I variant (also known as c.250G>A), located in coding exon 3 of the ALPK2 gene, results from a G to A substitution at nucleotide position 250. The valine at codon 84 is replaced by isoleucine, an amino acid with highly similar properties. This amino acid position is conserved. In addition, this alteration is predicted to be tolerated by in silico analysis. Since supporting evidence is limited at this time, the clinical significance of this alteration remains unclear.

NM_052947.4(ALPK2):c.250G>A (p.Val84Ile)

Gene: ALPK2 (alpha kinase 2; minus strand). Cytogenetic location: 18q21.31.
Variant type: single nucleotide variant.
Coding change: c.250G>A on transcript NM_052947.4 (MANE Select); coding-DNA position 250, G replaced by A.
Protein change: p.Val84Ile; replaces valine 84 with isoleucine.
Molecular consequence: missense variant.
Genome position (GRCh38, 1-based): chr18:58,580,526, C>T on the plus strand (G>A on the coding strand, the complement: ALPK2 is on the minus strand). VCF-style: chr18-58580526-C-T. GRCh37 (hg19) VCF-style: chr18-56247758-C-T.
Other names: short protein forms V84I.
Identifiers: ClinVar variation 2564111 (VCV002564111.2), dbSNP rs2518900500, ClinGen allele CA402568394.
Genomic context (GRCh38, chr18:58,580,526, plus strand): 5'-CCTCAACGGAAGCAGAACAACAGATCATTCCAAAAGAGTTTTTAGCCGAGATTTGATAGA[C>T]AGCAGCATCATTTTTGGTACAGCTAGGATGAAGAGAATATATAGATAAGTTTGCCACATT-3'
Protein context (NP_443179.3, residues 74-94): LSCCTKNDAA[Val84Ile]YQISAKNSFG